The following is an entry in ClinVar:

ClinVar aggregate classification (germline): Uncertain significance (1 of 4 stars; one submission).

gnomAD v4.1: 2 of 1,209,253 alleles (0.00017%); no homozygotes.

Submission:

Labcorp Genetics (formerly Invitae), Labcorp
Classification: Uncertain significance. Last evaluated: 2024-05-14. Review status: criteria provided, single submitter. Criteria: Invitae Variant Classification Sherloc (09022015). Collection method: clinical testing. Allele origin: germline.
Comment: This sequence change replaces lysine, which is basic and polar, with threonine, which is neutral and polar, at codon 414 of the DRP2 protein (p.Lys414Thr). This variant is not present in population databases (gnomAD no frequency). This variant has not been reported in the literature in individuals affected with DRP2-related conditions. Advanced modeling of protein sequence and biophysical properties (such as structural, functional, and spatial information, amino acid conservation, physicochemical variation, residue mobility, and thermodynamic stability) performed at Invitae indicates that this missense variant is not expected to disrupt DRP2 protein function with a negative predictive value of 80%. In summary, the available evidence is currently insufficient to determine the role of this variant in disease. Therefore, it has been classified as a Variant of Uncertain Significance.

NM_001939.3(DRP2):c.1241A>C (p.Lys414Thr)

Gene: DRP2 (dystrophin related protein 2; plus strand). Cytogenetic location: Xq22.1.
Variant type: single nucleotide variant.
Coding change: c.1241A>C on transcript NM_001939.3 (MANE Select); coding-DNA position 1241, A replaced by C.
Protein change: p.Lys414Thr; replaces lysine 414 with threonine.
Molecular consequence: missense variant.
Genome position (GRCh38, 1-based): chrX:101,247,153, A>C. VCF-style: chrX-101247153-A-C. GRCh37 (hg19) VCF-style: chrX-100502142-A-C.
Other names: c.1007A>C, p.Lys336Thr (NM_001171184.2); short protein forms K336T, K414T.
Identifiers: ClinVar variation 3006846 (VCV003006846.3), dbSNP rs2520276164, ClinGen allele CA413923812.